The following is an entry in ClinVar:

ClinVar aggregate classification (germline): Likely benign. Review status: criteria provided, multiple submitters, no conflicts (2 of 4 stars). 2 submissions from 2 submitters: Likely benign (2). Last evaluated 2025-05-04.

Conditions:
Dilated cardiomyopathy 1G (CMD1G). Identifiers: Orphanet 154, MedGen C1858763, MONDO:0011400, OMIM 604145.
Autosomal recessive limb-girdle muscular dystrophy type 2J (LGMDR10). Also called: MUSCULAR DYSTROPHY, LIMB-GIRDLE, AUTOSOMAL RECESSIVE 10; Limb-girdle muscular dystrophy, type 2J. Identifiers: Orphanet 140922, MedGen C1837342, MONDO:0012127, OMIM 608807.

Allele frequency attached by ClinVar (database versions not stated): gnomAD exomes below 0.00001.
gnomAD v4.1: 4 of 1,612,624 alleles (0.00025%); highest among the groups gnomAD compares: Non-Finnish European, 0.00034%; no homozygotes.

Submissions (2):

Labcorp Genetics (formerly Invitae), Labcorp
Classification: Likely benign for Dilated cardiomyopathy 1G; Autosomal recessive limb-girdle muscular dystrophy type 2J. Last evaluated: 2025-05-04. Review status: criteria provided, single submitter. Criteria: Invitae Variant Classification Sherloc (09022015). Collection method: clinical testing. Allele origin: germline.

GeneDx
Classification: Likely benign. Last evaluated: 2016-11-07. Review status: criteria provided, single submitter. Criteria: GeneDx Variant Classification (06012015). Collection method: clinical testing. Allele origin: germline. Affected: yes.
Comment: This variant is considered likely benign or benign based on one or more of the following criteria: it is a conservative change, it occurs at a poorly conserved position in the protein, it is predicted to be benign by multiple in silico algorithms, and/or has population frequency not consistent with disease.

NM_001267550.2(TTN):c.34132C>T (p.Leu11378=)

Gene: TTN (titin; minus strand). Cytogenetic location: 2q31.2.
Variant type: single nucleotide variant.
Coding change: c.34132C>T on transcript NM_001267550.2 (MANE Select); coding-DNA position 34132, C replaced by T.
Protein change: p.Leu11378=; no amino-acid change (leucine 11378 retained).
Molecular consequence: synonymous variant. On other transcripts: intron variant (3).
Genome position (GRCh38, 1-based): chr2:178,677,780, G>A on the plus strand (C>T on the coding strand, the complement: TTN is on the minus strand). VCF-style: chr2-178677780-G-A. GRCh37 (hg19) VCF-style: chr2-179542507-G-A.
Other names: c.33181C>T, p.Leu11061= (NM_001256850.1); c.30400C>T, p.Leu10134= (NM_133378.4); c.13283-35463C>T (NM_003319.4); c.13859-35463C>T (NM_133437.4); c.13658-35463C>T (NM_133432.3).
Identifiers: ClinVar variation 389932 (VCV000389932.9), dbSNP rs960128787, ClinGen allele CA16604172.